The following is an entry in ClinVar:

ClinVar aggregate classification (germline): Uncertain significance. Review status: criteria provided, multiple submitters, no conflicts (2 of 4 stars). 2 submissions from 2 submitters: Uncertain significance (2). Last evaluated 2024-12-23.

Conditions:
Pancreatic adenocarcinoma. Identifiers: MedGen C0281361, MONDO:0006047, HP:0006725.

Allele frequency attached by ClinVar (database versions not stated): gnomAD 0.00003 and 0.00004; TOPMed 0.00003.
gnomAD v4.1: 8 of 1,499,340 alleles (0.00053%); highest among the groups gnomAD compares: African/African-American, 0.0073%; no homozygotes.

Submissions (2):

Ambry Genetics
Classification: Uncertain significance. Last evaluated: 2024-12-23. Review status: criteria provided, single submitter. Criteria: Ambry Variant Classification Scheme 2023. Collection method: clinical testing. Allele origin: germline.
Comment: The p.A35T variant (also known as c.103G>A), located in coding exon 1 of the PALLD gene, results from a G to A substitution at nucleotide position 103. The alanine at codon 35 is replaced by threonine, an amino acid with similar properties. This amino acid position is conserved. In addition, this alteration is predicted to be tolerated by in silico analysis. Based on the available evidence, the clinical significance of this variant remains unclear.

Labcorp Genetics (formerly Invitae), Labcorp
Classification: Uncertain significance for Pancreatic adenocarcinoma. Last evaluated: 2020-04-09. Review status: criteria provided, single submitter. Criteria: Invitae Variant Classification Sherloc (09022015). Collection method: clinical testing. Allele origin: germline.
Comment: In summary, the available evidence is currently insufficient to determine the role of this variant in disease. Therefore, it has been classified as a Variant of Uncertain Significance. Algorithms developed to predict the effect of missense changes on protein structure and function (SIFT, PolyPhen-2, Align-GVGD) all suggest that this variant is likely to be tolerated, but these predictions have not been confirmed by published functional studies and their clinical significance is uncertain. This variant has not been reported in the literature in individuals with PALLD-related conditions. The frequency data for this variant in the population databases is considered unreliable, as metrics indicate insufficient coverage at this position in the ExAC database. This sequence change replaces alanine with threonine at codon 35 of the PALLD protein (p.Ala35Thr). The alanine residue is weakly conserved and there is a small physicochemical difference between alanine and threonine.

NM_001166108.2(PALLD):c.1965-12928G>A

Gene: PALLD (palladin, cytoskeletal associated protein; plus strand). Cytogenetic location: 4q32.3.
Variant type: single nucleotide variant.
Coding change: c.1965-12928G>A on transcript NM_001166108.2 (MANE Select); 12928 bases into the intron before coding-DNA position 1965, G replaced by A.
Molecular consequence: intron variant. On other transcripts: missense variant (1).
Genome position (GRCh38, 1-based): chr4:168,877,994, G>A. VCF-style: chr4-168877994-G-A. GRCh37 (hg19) VCF-style: chr4-169799145-G-A.
Other names: c.103G>A (NM_001166110.1); c.103G>A, p.Ala35Thr (NM_001166110.2); c.1965-12928G>A (NM_016081.4); c.819-12928G>A (NM_001166109.2); c.-157-12928G>A (NM_001367570.1, NM_001367568.1, NM_001367567.1 and 1 more transcripts); short protein forms A35T.
Identifiers: ClinVar variation 1039918 (VCV001039918.9), dbSNP rs587780753, ClinGen allele CA110515916.